The following is an entry in ClinVar:

NM_002693.3(POLG):c.2281A>C (p.Asn761His)

Gene: POLG (DNA polymerase gamma, catalytic subunit; minus strand). Cytogenetic location: 15q26.1.
Variant type: single nucleotide variant.
Coding change: c.2281A>C on transcript NM_002693.3 (MANE Select); coding-DNA position 2281, A replaced by C.
Protein change: p.Asn761His; replaces asparagine 761 with histidine.
Molecular consequence: missense variant.
Genome position (GRCh38, 1-based): chr15:89,322,887, T>G on the plus strand (A>C on the coding strand, the complement: POLG is on the minus strand). VCF-style: chr15-89322887-T-G. GRCh37 (hg19) VCF-style: chr15-89866118-T-G.
Other names: c.2281A>C, p.Asn761His (NM_001126131.2); short protein forms N761H.
Identifiers: ClinVar variation 3632870 (VCV003632870.2).

ClinVar aggregate classification (germline): Uncertain significance (1 of 4 stars; one submission).

Conditions:
Progressive sclerosing poliodystrophy (MTDPS4A). Also called: ALPERS PROGRESSIVE INFANTILE POLIODYSTROPHY; NEURONAL DEGENERATION OF CHILDHOOD WITH LIVER DISEASE, PROGRESSIVE; Alpers Syndrome; ALPERS DIFFUSE DEGENERATION OF CEREBRAL GRAY MATTER WITH HEPATIC CIRRHOSIS; Alpers-Huttenlocher Syndrome; Mitochondrial DNA depletion syndrome 4A (Alpers type). Identifiers: Orphanet 726, MedGen C0205710, MONDO:0008758, OMIM 203700.

gnomAD v4.1: 1 of 1,612,958 alleles (0.000062%); highest among the groups gnomAD compares: Non-Finnish European, 0.000085%; no homozygotes.

Submission:

Labcorp Genetics (formerly Invitae), Labcorp
Classification: Uncertain significance for Progressive sclerosing poliodystrophy. Last evaluated: 2024-12-03. Review status: criteria provided, single submitter. Criteria: Invitae Variant Classification Sherloc (09022015). Collection method: clinical testing. Allele origin: germline.
Comment: This sequence change replaces asparagine, which is neutral and polar, with histidine, which is basic and polar, at codon 761 of the POLG protein (p.Asn761His). This variant is not present in population databases (gnomAD no frequency). This variant has not been reported in the literature in individuals affected with POLG-related conditions. Invitae Evidence Modeling of protein sequence and biophysical properties (such as structural, functional, and spatial information, amino acid conservation, physicochemical variation, residue mobility, and thermodynamic stability) indicates that this missense variant is expected to disrupt POLG protein function with a positive predictive value of 95%. In summary, the available evidence is currently insufficient to determine the role of this variant in disease. Therefore, it has been classified as a Variant of Uncertain Significance.